The following is an entry in ClinVar:

NM_031229.4(RBCK1):c.1356C>T (p.Ile452=)

Gene: RBCK1 (RANBP2-type and C3HC4-type zinc finger containing 1; plus strand). Cytogenetic location: 20p13.
Variant type: single nucleotide variant.
Coding change: c.1356C>T on transcript NM_031229.4 (MANE Select); coding-DNA position 1356, C replaced by T.
Protein change: p.Ile452=; no amino-acid change (isoleucine 452 retained).
Molecular consequence: synonymous variant. On other transcripts: non-coding transcript variant (1).
Genome position (GRCh38, 1-based): chr20:428,998, C>T. VCF-style: chr20-428998-C-T. GRCh37 (hg19) VCF-style: chr20-409642-C-T.
Other names: p.Ile452=; c.846C>T, p.Ile282= (NM_001323956.2, NM_001323958.2); c.1230C>T, p.Ile410= (NM_006462.6).
Identifiers: ClinVar variation 1106969 (VCV001106969.11), dbSNP rs746385953, ClinGen allele CA9723358.

ClinVar aggregate classification (germline): Likely benign. Review status: criteria provided, multiple submitters, no conflicts (2 of 4 stars). 3 submissions from 3 submitters: Likely benign (3). Last evaluated 2025-12-26.

Conditions:
Polyglucosan body myopathy type 1 (PGBM1). Also called: Polyglucosan body myopathy 1 with or without immunodeficiency; POLYGLUCOSAN BODY MYOPATHY WITHOUT IMMUNODEFICIENCY. Identifiers: Orphanet 329173, Orphanet 397937, MedGen C4014605, MONDO:0014389, OMIM 615895.

Allele frequency attached by ClinVar (database versions not stated): ExAC 0.00003; gnomAD exomes 0.00004.
gnomAD v4.1: 85 of 1,611,896 alleles (0.0053%); highest among the groups gnomAD compares: Middle Eastern, 0.034%; 1 homozygote.

Submissions (3):

Labcorp Genetics (formerly Invitae), Labcorp
Classification: Likely benign for Polyglucosan body myopathy type 1. Last evaluated: 2025-12-26. Review status: criteria provided, single submitter. Criteria: Invitae Variant Classification Sherloc (09022015). Collection method: clinical testing. Allele origin: germline.

Mayo Clinic Laboratories, Mayo Clinic
Classification: Likely benign. Last evaluated: 2025-03-14. Review status: criteria provided, single submitter. Criteria: ACMG Guidelines, 2015. Collection method: clinical testing. Allele origin: germline. Observed: 3 variant alleles.
Comment: BP4, BP7

Blueprint Genetics
Classification: Likely benign. Last evaluated: 2024-04-25. Review status: criteria provided, single submitter. Criteria: ACMG Guidelines, 2015. Collection method: clinical testing. Allele origin: germline.